The following is an entry in ClinVar:

NM_176824.3(BBS7):c.600C>T (p.Gly200=)

Gene: BBS7 (Bardet-Biedl syndrome 7; minus strand). Cytogenetic location: 4q27.
Variant type: single nucleotide variant.
Coding change: c.600C>T on transcript NM_176824.3 (MANE Select); coding-DNA position 600, C replaced by T.
Protein change: p.Gly200=; no amino-acid change (glycine 200 retained).
Molecular consequence: synonymous variant.
Genome position (GRCh38, 1-based): chr4:121,855,490, G>A on the plus strand (C>T on the coding strand, the complement: BBS7 is on the minus strand). VCF-style: chr4-121855490-G-A. GRCh37 (hg19) VCF-style: chr4-122776645-G-A.
Other names: c.600C>T, p.Gly200= (NM_018190.4).
Identifiers: ClinVar variation 901039 (VCV000901039.10), dbSNP rs370053625, ClinGen allele CA3064469.
Genomic context (GRCh38, chr4:121,855,490, plus strand): 5'-CCATTTTCACTTACTATTAAAACACATAGTTGATTTGTGAAAAATAAAATCCTGATTACC[G>A]CCATTTCCATTGTGTAGTGCTAAGACAGTAGGGGGTCCAGGAACTTCAACTGCATACATC-3'
Protein context (NP_789794.1, residues 190-210): PTVLALHNGN[Gly200=]GDSGEDLLFG

ClinVar aggregate classification (germline): Uncertain significance. Review status: criteria provided, multiple submitters, no conflicts (2 of 4 stars). 5 submissions from 5 submitters: Uncertain significance (4). 1 of the submissions does not count toward it. Last evaluated 2024-03-25.

Conditions:
BBS7-related disorder. Also called: BBS7-related condition.
Bardet-Biedl syndrome (BBS). Identifiers: Orphanet 110, MedGen C0752166, MONDO:0015229.
Bardet-Biedl syndrome 7 (BBS7). Identifiers: Orphanet 110, MedGen C1859565, MONDO:0014435, OMIM 615984.

Allele frequency attached by ClinVar (database versions not stated): ESP Exome Variant Server 0.00008; TOPMed 0.00010.
gnomAD v4.1: 116 of 1,611,856 alleles (0.0072%); highest among the groups gnomAD compares: Non-Finnish European, 0.0088%; no homozygotes.

Submissions (5):

Blueprint Genetics
Classification: Uncertain significance. Last evaluated: 2024-03-25. Review status: criteria provided, single submitter. Criteria: ACMG Guidelines, 2015. Collection method: clinical testing. Allele origin: germline.

Fulgent Genetics
Classification: Uncertain significance for Bardet-Biedl syndrome 7. Last evaluated: 2024-03-23. Review status: criteria provided, single submitter. Criteria: ACMG Guidelines, 2015. Collection method: clinical testing. Allele origin: germline.

Labcorp Genetics (formerly Invitae), Labcorp
Classification: Uncertain significance for Bardet-Biedl syndrome. Last evaluated: 2022-05-06. Review status: criteria provided, single submitter. Criteria: Invitae Variant Classification Sherloc (09022015). Collection method: clinical testing. Allele origin: germline.
Comment: This sequence change affects codon 200 of the BBS7 mRNA. It is a 'silent' change, meaning that it does not change the encoded amino acid sequence of the BBS7 protein. This variant is present in population databases (rs370053625, gnomAD 0.008%). This variant has not been reported in the literature in individuals affected with BBS7-related conditions. ClinVar contains an entry for this variant (Variation ID: 901039). Algorithms developed to predict the effect of sequence changes on RNA splicing suggest that this variant may create or strengthen a splice site. In summary, the available evidence is currently insufficient to determine the role of this variant in disease. Therefore, it has been classified as a Variant of Uncertain Significance.

Illumina Laboratory Services, Illumina
Classification: Uncertain significance for Bardet-Biedl syndrome 7. Last evaluated: 2018-01-12. Review status: criteria provided, single submitter. Criteria: ICSL Variant Classification Criteria 13 December 2019. Collection method: clinical testing. Allele origin: germline.

PreventionGenetics, part of Exact Sciences
Classification: Likely benign for BBS7-related condition. Last evaluated: 2022-04-26. Review status: no assertion criteria provided. Collection method: clinical testing. Allele origin: germline. Not counted in ClinVar's aggregate classification.
Comment: This variant is classified as likely benign based on ACMG/AMP sequence variant interpretation guidelines (Richards et al. 2015 PMID: 25741868, with internal and published modifications).